The following is an entry in ClinVar:

NM_000540.3(RYR1):c.4934G>A (p.Arg1645Gln)

Gene: RYR1 (ryanodine receptor 1; plus strand). Cytogenetic location: 19q13.2.
Variant type: single nucleotide variant.
Coding change: c.4934G>A on transcript NM_000540.3 (MANE Select); coding-DNA position 4934, G replaced by A.
Protein change: p.Arg1645Gln; replaces arginine 1645 with glutamine.
Molecular consequence: missense variant.
Genome position (GRCh38, 1-based): chr19:38,483,516, G>A. VCF-style: chr19-38483516-G-A. GRCh37 (hg19) VCF-style: chr19-38974156-G-A.
Other names: 4934_4935ins4934+1_4934+26]; c.4934G>A, p.Arg1645Gln (NM_001042723.2); short protein forms R1645Q.
Identifiers: ClinVar variation 133138 (VCV000133138.3), dbSNP rs193922778, ClinGen allele CA024471.
Genomic context (GRCh38, chr19:38,483,516, plus strand): 5'-GGGCCGTGCAGTGCCAGGAGCCGCTGACCATGATGGCGCTGCACATCCCCGAGGAGAACC[G>A]GTCAGGGCCAGCCCAGCTATGCAGGGGTGGGCAGGTGTTGCAAGCCCTCTGGGGTCTGGG-3'
Protein context (NP_000531.2, residues 1635-1655): MMALHIPEEN[Arg1645Gln]CMDILELSER

ClinVar aggregate classification (germline): Conflicting classifications of pathogenicity. Review status: criteria provided, conflicting classifications (1 of 4 stars). 3 submissions from 3 submitters: Likely pathogenic (1); Uncertain significance (1). 1 of the submissions does not count toward it. Last evaluated 2023-10-06.

Conditions:
Malignant hyperthermia, susceptibility to, 1 (MHS1). Also called: RYR1-Related Malignant Hyperthermia Susceptibility; Malignant hyperthermia suceptibility 1; Anesthesia related hyperthermia; Malignant hyperpyrexia; Fulminating hyperpyrexia; Pharmacogenic myopathy. Identifiers: Orphanet 423, MedGen C2930980, MONDO:0007783, OMIM 145600.

Allele frequency attached by ClinVar (database versions not stated): gnomAD 0.00001.
gnomAD v4.1: 2 of 1,544,926 alleles (0.00013%); highest among the groups gnomAD compares: Non-Finnish European, 0.00017%; no homozygotes.

Submissions (3):

GeneDx
Classification: Likely pathogenic. Last evaluated: 2023-10-06. Review status: criteria provided, single submitter. Criteria: GeneDx Variant Classification Process June 2021. Collection method: clinical testing. Allele origin: germline. Affected: yes.
Comment: Alters the last nucleotide of the exon and is predicted to destroy the splice donor site and result in aberrant splicing; Published functional studies suggest this variant undergoes mRNA decay (Monnier et al., 2008), although further functional evidence is needed; Not observed at significant frequency in large population cohorts (gnomAD); This variant is associated with the following publications: (PMID: 31069529, 18253926)

All of Us Research Program, National Institutes of Health
Classification: Uncertain significance for Malignant hyperthermia, susceptibility to, 1. Last evaluated: 2023-08-15. Review status: criteria provided, single submitter. Criteria: ACMG Guidelines, 2015. Collection method: clinical testing. Allele origin: germline. Inheritance: Autosomal dominant inheritance. Observed: 1 variant allele, 1 heterozygote.
Comment: This missense variant replaces arginine with glutamine at codon 1645 of the RYR1 protein. Computational prediction suggests that this variant may have deleterious impact on protein structure and function (internally defined REVEL score threshold >= 0.7, PMID: 27666373). This variant changes the last nucleotide of exon 33 and is predicted to disrupt RNA splicing. A functional RNA study has shown that this variant activates a cryptic splice site resulting in a frameshift and premature stop codon (PMID: 18253926). This variant has been observed in an individual with congenital myopathy together with p.Ala2421Pro, a variant of uncertain significance (PMID: 18253926). This variant has not been reported in individuals affected with malignant hyperthermia susceptibility in the literature. This variant has not been identified in the general population by the Genome Aggregation Database (gnomAD). The available evidence is insufficient to determine the role of this variant in disease conclusively. Therefore, this variant is classified as a Variant of Uncertain Significance.

This study involves interpretation of variants in research participants for the purpose of population health screening. Participant phenotype was not available at the time of variant classification. Additional details can be found in publication PMID: 35346344, PMCID: PMC8962531

RYR1 database
No classification provided. Review status: no classification provided. Collection method: not provided. Allele origin: unknown. Not counted in ClinVar's aggregate classification.

Literature cited by the submitters: PubMed 18253926 (cited by All of Us Research Program, National Institutes of Health).